The following is an entry in ClinVar:

ClinVar aggregate classification (germline): Uncertain significance (1 of 4 stars; one submission).

Conditions:
Shprintzen-Goldberg syndrome (SGS). Also called: Marfanoid disorder with craniosynostosis type 1; Marfanoid craniosynostosis syndrome; Shprintzen-Goldberg marfanoid syndrome; SHPRINTZEN-GOLDBERG CRANIOSYNOSTOSIS SYNDROME; CRANIOSYNOSTOSIS WITH ARACHNODACTYLY AND ABDOMINAL HERNIAS. Identifiers: Orphanet 2462, MedGen C1321551, MONDO:0008426, OMIM 182212.

Submission:

Labcorp Genetics (formerly Invitae), Labcorp
Classification: Uncertain significance for Shprintzen-Goldberg syndrome. Last evaluated: 2024-05-08. Review status: criteria provided, single submitter. Criteria: Invitae Variant Classification Sherloc (09022015). Collection method: clinical testing. Allele origin: germline.
Comment: This sequence change replaces glycine, which is neutral and non-polar, with serine, which is neutral and polar, at codon 368 of the SKI protein (p.Gly368Ser). This variant is not present in population databases (gnomAD no frequency). This variant has not been reported in the literature in individuals affected with SKI-related conditions. Advanced modeling of protein sequence and biophysical properties (such as structural, functional, and spatial information, amino acid conservation, physicochemical variation, residue mobility, and thermodynamic stability) performed at Invitae indicates that this missense variant is not expected to disrupt SKI protein function with a negative predictive value of 95%. In summary, the available evidence is currently insufficient to determine the role of this variant in disease. Therefore, it has been classified as a Variant of Uncertain Significance.

NM_003036.4(SKI):c.1102G>A (p.Gly368Ser)

Gene: SKI (SKI proto-oncogene; plus strand). Cytogenetic location: 1p36.32.
Variant type: single nucleotide variant.
Coding change: c.1102G>A on transcript NM_003036.4 (MANE Select); coding-DNA position 1102, G replaced by A.
Protein change: p.Gly368Ser; replaces glycine 368 with serine.
Molecular consequence: missense variant.
Genome position (GRCh38, 1-based): chr1:2,303,291, G>A. VCF-style: chr1-2303291-G-A. GRCh37 (hg19) VCF-style: chr1-2234730-G-A.
Other names: short protein forms G368S.
Identifiers: ClinVar variation 3621439 (VCV003621439.2).